The following is an entry in ClinVar:

NM_018060.4(IARS2):c.2415-200G>A

Gene: IARS2 (isoleucyl-tRNA synthetase 2, mitochondrial; plus strand). Cytogenetic location: 1q41.
Variant type: single nucleotide variant.
Coding change: c.2415-200G>A on transcript NM_018060.4 (MANE Select); 200 bases into the intron before coding-DNA position 2415, G replaced by A.
Molecular consequence: intron variant.
Genome position (GRCh38, 1-based): chr1:220,141,603, G>A. VCF-style: chr1-220141603-G-A. GRCh37 (hg19) VCF-style: chr1-220314945-G-A.
Identifiers: ClinVar variation 680615 (VCV000680615.1), dbSNP rs10442693, ClinGen allele CA10702586.

ClinVar aggregate classification (germline): Benign (1 of 4 stars; one submission).

Allele frequency attached by ClinVar (database versions not stated): 1000 Genomes Project 30x 0.30372; 1000 Genomes Project 0.30851; TOPMed 0.37625; gnomAD 0.39453 and 0.39786.
gnomAD v4.1: 60,125 of 152,040 alleles (40%); highest among the groups gnomAD compares: Non-Finnish European, 51%; 13,265 homozygotes.

Submission:

GeneDx
Classification: Benign. Last evaluated: 2018-06-14. Review status: criteria provided, single submitter. Criteria: GeneDx Variant Classification (06012015). Collection method: clinical testing. Allele origin: germline. Affected: yes.
Comment: This variant is considered likely benign or benign based on one or more of the following criteria: it is a conservative change, it occurs at a poorly conserved position in the protein, it is predicted to be benign by multiple in silico algorithms, and/or has population frequency not consistent with disease.